The following is an entry in ClinVar:

ClinVar aggregate classification (germline): Uncertain significance (1 of 4 stars; one submission).

Conditions:
Hypertrophic cardiomyopathy. Also called: HYPERTROPHIC MYOCARDIOPATHY. Identifiers: Orphanet 217569, MedGen C0007194, MeSH D002312, MONDO:0005045, HP:0001639.

Allele frequency attached by ClinVar (database versions not stated): gnomAD exomes below 0.00001.
gnomAD v4.1: 8 of 1,613,924 alleles (0.0005%); highest among the groups gnomAD compares: Non-Finnish European, 0.00059%; no homozygotes.

Submission:

Labcorp Genetics (formerly Invitae), Labcorp
Classification: Uncertain significance for Hypertrophic cardiomyopathy. Last evaluated: 2019-07-18. Review status: criteria provided, single submitter. Criteria: Invitae Variant Classification Sherloc (09022015). Collection method: clinical testing. Allele origin: germline.
Comment: This sequence change replaces asparagine with histidine at codon 1257 of the MYH7 protein (p.Asn1257His). The asparagine residue is highly conserved and there is a small physicochemical difference between asparagine and histidine. This variant is not present in population databases (ExAC no frequency). This variant has not been reported in the literature in individuals with MYH7-related disease. Algorithms developed to predict the effect of missense changes on protein structure and function are either unavailable or do not agree on the potential impact of this missense change (SIFT: "Deleterious"; PolyPhen-2: "Possibly Damaging"; Align-GVGD: "Class C0"). In summary, the available evidence is currently insufficient to determine the role of this variant in disease. Therefore, it has been classified as a Variant of Uncertain Significance.

NM_000257.4(MYH7):c.3769A>C (p.Asn1257His)

Gene: MYH7 (myosin heavy chain 7; minus strand). Cytogenetic location: 14q11.2.
Variant type: single nucleotide variant.
Coding change: c.3769A>C on transcript NM_000257.4 (MANE Select); coding-DNA position 3769, A replaced by C.
Protein change: p.Asn1257His; replaces asparagine 1257 with histidine.
Molecular consequence: missense variant.
Genome position (GRCh38, 1-based): chr14:23,419,567, T>G on the plus strand (A>C on the coding strand, the complement: MYH7 is on the minus strand). VCF-style: chr14-23419567-T-G. GRCh37 (hg19) VCF-style: chr14-23888776-T-G.
Other names: short protein forms N1257H.
Identifiers: ClinVar variation 642571 (VCV000642571.2), dbSNP rs1595077685, ClinGen allele CA389042693.